The following is an entry in ClinVar:

ClinVar aggregate classification (germline): Likely benign (1 of 4 stars; one submission).

Allele frequency attached by ClinVar (database versions not stated): 1000 Genomes Project 30x 0.00094; 1000 Genomes Project 0.00100; gnomAD 0.00122; ESP Exome Variant Server 0.00131; TOPMed 0.00151; ExAC 0.00155.

Submission:

CeGaT Center for Human Genetics Tuebingen
Classification: Likely benign. Last evaluated: 2022-06-01. Review status: criteria provided, single submitter. Criteria: CeGaT Center For Human Genetics Tuebingen Variant Classification Criteria Version 2. Collection method: clinical testing. Allele origin: germline. Affected: yes. Observed: 1 variant allele.
Comment: RBBP9: BP4, BP7

NM_006606.3(RBBP9):c.450C>T (p.Ala150=)

Gene: RBBP9 (RB binding protein 9, serine hydrolase; minus strand). Cytogenetic location: 20p11.23.
Variant type: single nucleotide variant.
Coding change: c.450C>T on transcript NM_006606.3 (MANE Select); coding-DNA position 450, C replaced by T.
Protein change: p.Ala150=; no amino-acid change (alanine 150 retained).
Molecular consequence: synonymous variant.
Genome position (GRCh38, 1-based): chr20:18,489,875, G>A on the plus strand (C>T on the coding strand, the complement: RBBP9 is on the minus strand). VCF-style: chr20-18489875-G-A. GRCh37 (hg19) VCF-style: chr20-18470519-G-A.
Identifiers: ClinVar variation 2652222 (VCV002652222.24), dbSNP rs62216369, ClinGen allele CA9777695.